The following is an entry in ClinVar:

ClinVar aggregate classification (germline): Uncertain significance. Review status: criteria provided, multiple submitters, no conflicts (2 of 4 stars). 2 submissions from 2 submitters: Uncertain significance (2). Last evaluated 2026-01-01.

Conditions:
Hereditary sensory and autonomic neuropathy type 6. Also called: HSAN VI; Neuropathy, hereditary sensory and autonomic, type VI. Identifiers: Orphanet 314381, MedGen C3539003, MONDO:0013839, OMIM 614653.
Epidermolysis bullosa simplex 3, localized or generalized intermediate, with BP230 deficiency (EBS3). Also called: Epidermolysis bullosa simplex due to BP230 deficiency; Epidermolysis bullosa simplex, autosomal recessive 2. Identifiers: Orphanet 412181, MedGen C3809470, MONDO:0014180, OMIM 615425.

Allele frequency attached by ClinVar (database versions not stated): gnomAD 0.00001; TOPMed 0.00001; ExAC 0.00002; ESP Exome Variant Server 0.00008.
gnomAD v4.1: 12 of 1,614,026 alleles (0.00074%); highest among the groups gnomAD compares: Middle Eastern, 0.016%; no homozygotes.

Submissions (2):

CeGaT Center for Human Genetics Tuebingen
Classification: Uncertain significance. Last evaluated: 2026-01-01. Review status: criteria provided, single submitter. Criteria: CeGaT Center For Human Genetics Tuebingen Variant Classification Criteria Version 2. Collection method: clinical testing. Allele origin: germline. Affected: yes. Observed: 1 variant allele.
Comment: DST: PM2, BP4

Labcorp Genetics (formerly Invitae), Labcorp
Classification: Uncertain significance for Epidermolysis bullosa simplex 3, localized or generalized intermediate, with BP230 deficiency; Hereditary sensory and autonomic neuropathy type 6. Last evaluated: 2022-01-03. Review status: criteria provided, single submitter. Criteria: Invitae Variant Classification Sherloc (09022015). Collection method: clinical testing. Allele origin: germline.
Comment: In summary, the available evidence is currently insufficient to determine the role of this variant in disease. Therefore, it has been classified as a Variant of Uncertain Significance. Algorithms developed to predict the effect of missense changes on protein structure and function are either unavailable or do not agree on the potential impact of this missense change (SIFT: "Tolerated"; PolyPhen-2: "Probably Damaging"; Align-GVGD: "Class C0"). This variant has not been reported in the literature in individuals affected with DST-related conditions. This variant is present in population databases (rs374344068, gnomAD 0.004%). This sequence change replaces isoleucine, which is neutral and non-polar, with valine, which is neutral and non-polar, at codon 2328 of the DST protein (p.Ile2328Val).

NM_001723.7(DST):c.6982A>G (p.Ile2328Val)

Gene: DST (dystonin; minus strand). Cytogenetic location: 6p12.1.
Variant type: single nucleotide variant.
Coding change: c.6982A>G on transcript NM_001723.7 (MANE Plus Clinical); coding-DNA position 6982, A replaced by G.
Protein change: p.Ile2328Val; replaces isoleucine 2328 with valine.
Molecular consequence: missense variant. On other transcripts: intron variant (10).
Genome position (GRCh38, 1-based): chr6:56,616,485, T>C on the plus strand (A>G on the coding strand, the complement: DST is on the minus strand). VCF-style: chr6-56616485-T-C. GRCh37 (hg19) VCF-style: chr6-56481283-T-C.
Other names: c.4831-2001A>G (NM_001144769.5); c.4930-2001A>G (NM_001374722.1, NM_001374736.1); c.4957-2001A>G (NM_001374734.1); c.4417-2001A>G (NM_001144770.2); c.4297-2001A>G (NM_001374730.1, NM_001386100.1, NM_183380.4 and 1 more transcripts); c.3319-2001A>G (NM_015548.5); short protein forms I2328V.
Identifiers: ClinVar variation 2142421 (VCV002142421.8), dbSNP rs374344068, ClinGen allele CA3870054.